The following is an entry in ClinVar:

NM_001127644.2(GABRA1):c.-263A>G

Gene: GABRA1 (gamma-aminobutyric acid type A receptor subunit alpha1; plus strand). Cytogenetic location: 5q34.
Variant type: single nucleotide variant.
Coding change: c.-263A>G on transcript NM_001127644.2 (MANE Select); 263 bases upstream of the start codon, A replaced by G.
Molecular consequence: 5 prime UTR variant. On other transcripts: intron variant (2).
Genome position (GRCh38, 1-based): chr5:161,848,175, A>G. VCF-style: chr5-161848175-A-G. GRCh37 (hg19) VCF-style: chr5-161275181-A-G.
Other names: c.-247-16A>G (NM_000806.5, NM_001127643.2).
Identifiers: ClinVar variation 516090 (VCV000516090.1), dbSNP rs763127240, ClinGen allele CA131081738.

ClinVar aggregate classification (germline): Likely benign (1 of 4 stars; one submission).

Allele frequency attached by ClinVar (database versions not stated): gnomAD 0.00002 and 0.00003; TOPMed 0.00004.

Submission:

GeneDx
Classification: Likely benign. Last evaluated: 2017-11-07. Review status: criteria provided, single submitter. Criteria: GeneDx Variant Classification (06012015). Collection method: clinical testing. Allele origin: germline. Affected: yes.
Comment: This variant is considered likely benign or benign based on one or more of the following criteria: it is a conservative change, it occurs at a poorly conserved position in the protein, it is predicted to be benign by multiple in silico algorithms, and/or has population frequency not consistent with disease.